The following is an entry in ClinVar:

ClinVar aggregate classification (germline): Uncertain significance (1 of 4 stars; one submission).

Submission:

GeneDx
Classification: Uncertain significance. Last evaluated: 2020-07-23. Review status: criteria provided, single submitter. Criteria: GeneDx Variant Classification Process June 2021. Collection method: clinical testing. Allele origin: germline. Affected: yes.
Comment: Not observed in large population cohorts (Lek et al., 2016); In silico analysis, which includes protein predictors and evolutionary conservation, supports that this variant does not alter protein structure/function; Has not been previously published as pathogenic or benign to our knowledge

NM_001356.5(DDX3X):c.172T>G (p.Ser58Ala)

Gene: DDX3X (DEAD-box helicase 3 X-linked; plus strand). Cytogenetic location: Xp11.4.
Variant type: single nucleotide variant.
Coding change: c.172T>G on transcript NM_001356.5 (MANE Select); coding-DNA position 172, T replaced by G.
Protein change: p.Ser58Ala; replaces serine 58 with alanine.
Molecular consequence: missense variant. On other transcripts: 5 prime UTR variant (1), non-coding transcript variant (1).
Genome position (GRCh38, 1-based): chrX:41,341,504, T>G. VCF-style: chrX-41341504-T-G. GRCh37 (hg19) VCF-style: chrX-41200757-T-G.
Other names: c.172T>G, p.Ser58Ala (NM_001193416.3); c.124T>G, p.Ser42Ala (NM_001193417.3); c.-387T>G (NM_001363819.1); short protein forms S58A, S42A.
Identifiers: ClinVar variation 432414 (VCV000432414.3), dbSNP rs1555952639, ClinGen allele CA412764730.